The following is an entry in ClinVar:

ClinVar aggregate classification (germline): Pathogenic/Likely pathogenic. Review status: criteria provided, multiple submitters, no conflicts (2 of 4 stars). 6 submissions from 6 submitters: Pathogenic (3); Likely pathogenic (2). 1 of the submissions does not count toward it. Last evaluated 2024-10-09.

Conditions:
ABCA4-related disorder. Also called: ABCA4-related condition; ABCA4-related disorders. Identifiers: MedGen CN239167.
Cone-rod dystrophy 3 (CORD3). Identifiers: Orphanet 1872, MedGen C1858806, MONDO:0011395, OMIM 604116.
Age related macular degeneration 2. Also called: MACULAR DEGENERATION, SENILE; MACULOPATHY, AGE-RELATED, 2; MACULOPATHY, AGE-RELATED. Identifiers: MedGen C3495438, MONDO:0007932, OMIM 153800.
Retinitis pigmentosa 19 (RP19). Also called: ABCA4-Related Retinitis Pigmentosa. Identifiers: Orphanet 791, MedGen C1866422, MONDO:0011137, OMIM 601718.
Severe early-childhood-onset retinal dystrophy (STGD1). Also called: MACULAR DYSTROPHY WITH FLECKS, TYPE 1; STGD; Stargardt disease 1; Stargardt macular dystrophy; Juvenile onset macular degeneration. Identifiers: Orphanet 364055, Orphanet 827, MedGen C1855465, MeSH D000080362, MONDO:0009549, OMIM 248200.

Allele frequency attached by ClinVar (database versions not stated): gnomAD exomes 0.00001; TOPMed 0.00002; ExAC 0.00001; gnomAD 0.00001.
gnomAD v4.1: 29 of 1,608,892 alleles (0.0018%); highest among the groups gnomAD compares: Non-Finnish European, 0.0025%; no homozygotes.

Submissions (6):

Victorian Clinical Genetics Services, Murdoch Childrens Research Institute
Classification: Pathogenic for Severe early-childhood-onset retinal dystrophy. Last evaluated: 2024-10-09. Review status: criteria provided, single submitter. Criteria: ACMG Guidelines, 2015. Collection method: clinical testing. Allele origin: germline. Inheritance: Autosomal recessive inheritance. Affected: yes.
Comment: Based on the classification scheme VCGS_Germline_v1.3.5, this variant is classified as Pathogenic. Following criteria are met: 0102 - Loss of function is a known mechanism of disease in this gene and is associated with Stargardt disease (MIM #248200), cone-rod dystrophy 3 (MIM #6041163), fundus flavimaculatus (MIM #248200), early-onset severe Retinal dystrophy (MIM #248200) and retinitis pigmentosa 19 (MIM #601718). (I) 0106 - This gene is associated with autosomal recessive disease. (I) 0115 - Variants in this gene are known to have variable expressivity (PMID: 31522899). (I) 0200 - Variant is predicted to result in a missense amino acid change from cysteine to phenylalanine. (I) 0251 - This variant is heterozygous. (I) 0304 - Variant is present in gnomAD (v4) <0.01 for a recessive condition (29 heterozygotes, 0 homozygotes). (SP) 0309 - Multiple alternative amino acid changes at the same position have been observed in gnomAD (v4) (highest allele count: 15 heterozygotes, 0 homozygotes). (I) 0501 - Missense variant consistently predicted to be damaging by multiple in silico tools and highly conserved with a major amino acid change. (SP) 0600 - Variant is located at an annotated cysteine residue that is involved in a disulphide bond (DECIPHER). (I) 0701 - Other missense variants comparable to the one identified in this case has very strong previous evidence for pathogenicity. p.(Cys1488Arg) and p.(Cys1488Tyr) have been identified in multiple individuals with Stargardt disease (ClinVar; PMID: 22449572, 23769331, 29854428, 31766579, 30820146). (SP) 0801 - This variant has strong previous evidence of pathogenicity in unrelated individuals. This variant has been identified in at least five individuals with Stargardt disease (Clinvar; PMID: 11328725). (SP) 1208 - Inheritance information for this variant is not currently available in this individual. (I) Legend: (SP) - Supporting pathogenic, (I) - Information, (SB) - Supporting benign

Labcorp Genetics (formerly Invitae), Labcorp
Classification: Pathogenic. Last evaluated: 2024-08-27. Review status: criteria provided, single submitter. Criteria: Invitae Variant Classification Sherloc (09022015). Collection method: clinical testing. Allele origin: germline.
Comment: This sequence change replaces cysteine, which is neutral and slightly polar, with phenylalanine, which is neutral and non-polar, at codon 1488 of the ABCA4 protein (p.Cys1488Phe). This variant is present in population databases (rs61750147, gnomAD 0.002%). This missense change has been observed in individuals with Stargardt disease (PMID: 20647261; internal data). ClinVar contains an entry for this variant (Variation ID: 99286). Invitae Evidence Modeling of protein sequence and biophysical properties (such as structural, functional, and spatial information, amino acid conservation, physicochemical variation, residue mobility, and thermodynamic stability) indicates that this missense variant is expected to disrupt ABCA4 protein function with a positive predictive value of 95%. This variant disrupts the p.Cys1488 amino acid residue in ABCA4. Other variant(s) that disrupt this residue have been determined to be pathogenic (PMID: 22449572, 28559085, 29555955, 29925512). This suggests that this residue is clinically significant, and that variants that disrupt this residue are likely to be disease-causing. For these reasons, this variant has been classified as Pathogenic.

Fulgent Genetics
Classification: Likely pathogenic for Age related macular degeneration 2; Severe early-childhood-onset retinal dystrophy; Retinitis pigmentosa 19; Cone-rod dystrophy 3. Last evaluated: 2024-02-22. Review status: criteria provided, single submitter. Criteria: ACMG Guidelines, 2015. Collection method: clinical testing. Allele origin: germline.

Molecular Genetics, Royal Melbourne Hospital
Classification: Likely pathogenic for Severe early-childhood-onset retinal dystrophy. Last evaluated: 2023-03-30. Review status: criteria provided, single submitter. Criteria: ACMG Guidelines, 2015. Collection method: clinical testing. Allele origin: germline. Affected: yes.
Comment: This sequence change is predicted to replace cysteine with phenylalanine at codon 1488 of the ABCA4 protein, p.(Cys1488Phe). The cysteine residue is highly conserved (100 vertebrates, UCSC), and is predicted to form a disulphide bond. There is a large physicochemical difference between cysteine and phenylalanine. The variant is present in a large population cohort at a frequency of 0.0008%, which is consistent with recessive disease (rs61750147, 2/243,254 alleles, 0 homozygotes in gnomAD v2.1). The variant has been identified in at least one Stargardt disease case with another pathogenic variant (PMID: 11673412). Multiple lines of computational evidence predict a deleterious effect for the missense substitution (7/7 algorithms). Two different missense changes at the same position (p.Cys1488Tyr, p.Cys1488Arg) determined to be likely pathogenic/pathogenic have been seen before (ClinVar IDs: 99284, 99285). Based on the classification scheme RMH ACMG Guidelines v1.2.1, this variant is classified as LIKELY PATHOGENIC. Following criteria are met: PM2, PM5, PM3_Supporting, PP3.

Blueprint Genetics
Classification: Pathogenic for ABCA4-related disorders. Last evaluated: 2022-09-12. Review status: criteria provided, single submitter. Criteria: ACMG Guidelines, 2015. Collection method: clinical testing. Allele origin: germline. Affected: yes. Observed: 5 variant alleles.

Retina International
No classification provided. Review status: no classification provided. Collection method: not provided. Allele origin: not provided. Not counted in ClinVar's aggregate classification.

Literature cited by the submitters: PubMed 11328725 (cited by Victorian Clinical Genetics Services, Murdoch Childrens Research Institute); PubMed 22449572 (cited by Victorian Clinical Genetics Services, Murdoch Childrens Research Institute and Labcorp Genetics (formerly Invitae), Labcorp); PubMed 23769331 (cited by Victorian Clinical Genetics Services, Murdoch Childrens Research Institute); PubMed 29854428 (cited by Victorian Clinical Genetics Services, Murdoch Childrens Research Institute); PubMed 30820146 (cited by Victorian Clinical Genetics Services, Murdoch Childrens Research Institute); PubMed 31522899 (cited by Victorian Clinical Genetics Services, Murdoch Childrens Research Institute); PubMed 31766579 (cited by Victorian Clinical Genetics Services, Murdoch Childrens Research Institute); PubMed 20647261 (cited by Labcorp Genetics (formerly Invitae), Labcorp); PubMed 28559085 (cited by Labcorp Genetics (formerly Invitae), Labcorp); PubMed 29555955 (cited by Labcorp Genetics (formerly Invitae), Labcorp); PubMed 29925512 (cited by Labcorp Genetics (formerly Invitae), Labcorp); PubMed 11673412 (cited by Molecular Genetics, Royal Melbourne Hospital).

NM_000350.3(ABCA4):c.4463G>T (p.Cys1488Phe)

Gene: ABCA4 (ATP binding cassette subfamily A member 4; minus strand). Cytogenetic location: 1p22.1.
Variant type: single nucleotide variant.
Coding change: c.4463G>T on transcript NM_000350.3 (MANE Select); coding-DNA position 4463, G replaced by T.
Protein change: p.Cys1488Phe; replaces cysteine 1488 with phenylalanine.
Molecular consequence: missense variant.
Genome position (GRCh38, 1-based): chr1:94,029,521, C>A on the plus strand (G>T on the coding strand, the complement: ABCA4 is on the minus strand). VCF-style: chr1-94029521-C-A. GRCh37 (hg19) VCF-style: chr1-94495077-C-A.
Other names: c.4241G>T, p.Cys1414Phe (NM_001425324.1); short protein forms C1488F, C1414F.
Identifiers: ClinVar variation 99286 (VCV000099286.17), dbSNP rs61750147, ClinGen allele CA227195.